The following is an entry in ClinVar:

ClinVar aggregate classification (germline): Uncertain significance (1 of 4 stars; one submission).

Conditions:
Gnathodiaphyseal dysplasia (GDD). Also called: GNATHODIAPHYSEAL SCLEROSIS; OSTEOGENESIS IMPERFECTA WITH UNUSUAL SKELETAL LESIONS. Identifiers: Orphanet 53697, MedGen C1833736, MONDO:0008151, OMIM 166260.
Autosomal recessive limb-girdle muscular dystrophy type 2L (LGMDR12). Also called: Limb-girdle muscular dystrophy, type 2L; MUSCULAR DYSTROPHY, LIMB-GIRDLE, AUTOSOMAL RECESSIVE 12; Limb-Girdle Muscular Dystrophy R12 Anoctamin-5-Related (LGMD-R12). Identifiers: Orphanet 206549, MedGen C1969785, MONDO:0012652, OMIM 611307.

Allele frequency attached by ClinVar (database versions not stated): TOPMed below 0.00001.

Submission:

Labcorp Genetics (formerly Invitae), Labcorp
Classification: Uncertain significance for Autosomal recessive limb-girdle muscular dystrophy type 2L; Gnathodiaphyseal dysplasia. Last evaluated: 2022-12-13. Review status: criteria provided, single submitter. Criteria: Invitae Variant Classification Sherloc (09022015). Collection method: clinical testing. Allele origin: germline.
Comment: This sequence change replaces threonine, which is neutral and polar, with isoleucine, which is neutral and non-polar, at codon 339 of the ANO5 protein (p.Thr339Ile). This variant is not present in population databases (gnomAD no frequency). This variant has not been reported in the literature in individuals affected with ANO5-related conditions. Algorithms developed to predict the effect of missense changes on protein structure and function output the following: SIFT: "Tolerated"; PolyPhen-2: "Benign"; Align-GVGD: "Class C0". The isoleucine amino acid residue is found in multiple mammalian species, which suggests that this missense change does not adversely affect protein function. In summary, the available evidence is currently insufficient to determine the role of this variant in disease. Therefore, it has been classified as a Variant of Uncertain Significance.

NM_213599.3(ANO5):c.1016C>T (p.Thr339Ile)

Gene: ANO5 (anoctamin 5; plus strand). Cytogenetic location: 11p14.3.
Variant type: single nucleotide variant.
Coding change: c.1016C>T on transcript NM_213599.3 (MANE Select); coding-DNA position 1016, C replaced by T.
Protein change: p.Thr339Ile; replaces threonine 339 with isoleucine.
Molecular consequence: missense variant.
Genome position (GRCh38, 1-based): chr11:22,250,743, C>T. VCF-style: chr11-22250743-C-T. GRCh37 (hg19) VCF-style: chr11-22272289-C-T.
Other names: c.1013C>T, p.Thr338Ile (NM_001142649.2); c.974C>T, p.Thr325Ile (NM_001410963.1); c.971C>T, p.Thr324Ile (NM_001410964.1); short protein forms T325I, T324I, T339I, T338I.
Identifiers: ClinVar variation 2942285 (VCV002942285.3), dbSNP rs1051569810, ClinGen allele CA218753358.